The following is an entry in ClinVar:

NM_000426.4(LAMA2):c.4865T>A (p.Leu1622Ter)

Gene: LAMA2 (laminin subunit alpha 2; plus strand). Cytogenetic location: 6q22.33.
Variant type: single nucleotide variant.
Coding change: c.4865T>A on transcript NM_000426.4 (MANE Select); coding-DNA position 4865, T replaced by A.
Protein change: p.Leu1622Ter; replaces leucine 1622 with a stop codon.
Molecular consequence: nonsense.
Genome position (GRCh38, 1-based): chr6:129,369,896, T>A. VCF-style: chr6-129369896-T-A. GRCh37 (hg19) VCF-style: chr6-129691041-T-A.
Other names: c.4865T>A, p.Leu1622Ter (NM_001079823.2); short protein forms L1622*.
Identifiers: ClinVar variation 5012768 (VCV005012768.1).
Genomic context (GRCh38, chr6:129,369,896, plus strand): 5'-CACTATCACTGCAAGGCCATTTACTAAAAATGTTTATGGGATGGAATCTTTTTCAGCACT[T>A]GCTGTCACCTCAGCGGGCCCCAGAGAGGCTTATTCAGCTGGCAGAGGGCAATCTGAATAC-3'

ClinVar aggregate classification (germline): Pathogenic (1 of 4 stars; one submission).

Conditions:
LAMA2-related muscular dystrophy (LAMA2-RD). Also called: Laminin alpha 2-related dystrophy. Identifiers: MedGen C5679788, MONDO:0100228.

Submission:

Myriad Genetics, Inc.
Classification: Pathogenic for LAMA2-related muscular dystrophy. Last evaluated: 2024-02-21. Review status: criteria provided, single submitter. Criteria: Myriad Autosomal Dominant, Autosomal Recessive and X-Linked Classification Criteria (2023). Collection method: clinical testing. Allele origin: unknown.
Comment: NM_000426.3(LAMA2):c.4865T>A(L1622*) is expected to be pathogenic in the context of muscular dystrophy, LAMA2-related. This variant is predicted to lead to an abnormal or absent protein product due to the creation of a premature termination codon in LAMA2, a gene where loss-of-function variants are known to be pathogenic. Please note: this variant was assessed in the context of healthy population screening.